The following is an entry in ClinVar:

NM_000440.3(PDE6A):c.2240A>G (p.Asp747Gly)

Gene: PDE6A (phosphodiesterase 6A; minus strand). Cytogenetic location: 5q32.
Variant type: single nucleotide variant.
Coding change: c.2240A>G on transcript NM_000440.3 (MANE Select); coding-DNA position 2240, A replaced by G.
Protein change: p.Asp747Gly; replaces aspartic acid 747 with glycine.
Molecular consequence: missense variant.
Genome position (GRCh38, 1-based): chr5:149,867,759, T>C on the plus strand (A>G on the coding strand, the complement: PDE6A is on the minus strand). VCF-style: chr5-149867759-T-C. GRCh37 (hg19) VCF-style: chr5-149247322-T-C.
Other names: short protein forms D747G.
Identifiers: ClinVar variation 955534 (VCV000955534.9), dbSNP rs766135543, ClinGen allele CA3504356.
Genomic context (GRCh38, chr5:149,867,759, plus strand): 5'-CAGGCTGACATCCCCTGTCTACTCACAATGGGATTCTGTTGCAGCACCGTGCGCTCCAGG[T>C]CACCTTGTTCCCAGAATTCAGCAGCCACCAGCAGAGCTACCTGCAACAGACAGACCCTCA-3'
Protein context (NP_000431.2, residues 737-757): LVAAEFWEQG[Asp747Gly]LERTVLQQNP

ClinVar aggregate classification (germline): Uncertain significance. Review status: criteria provided, multiple submitters, no conflicts (2 of 4 stars). 3 submissions from 3 submitters: Uncertain significance (3). Last evaluated 2024-11-07.

Conditions:
Inborn genetic diseases. Identifiers: MedGen C0950123, MeSH D030342.

Allele frequency attached by ClinVar (database versions not stated): gnomAD exomes 0.00003; TOPMed 0.00003; ExAC 0.00004; gnomAD 0.00004.
gnomAD v4.1: 43 of 1,613,534 alleles (0.0027%); highest among the groups gnomAD compares: Non-Finnish European, 0.0033%; no homozygotes.

Submissions (3):

Ambry Genetics
Classification: Uncertain significance for Inborn genetic diseases. Last evaluated: 2024-11-07. Review status: criteria provided, single submitter. Criteria: Ambry Variant Classification Scheme 2023. Collection method: clinical testing. Allele origin: germline.

Labcorp Genetics (formerly Invitae), Labcorp
Classification: Uncertain significance. Last evaluated: 2024-08-05. Review status: criteria provided, single submitter. Criteria: Invitae Variant Classification Sherloc (09022015). Collection method: clinical testing. Allele origin: germline.
Comment: This sequence change replaces aspartic acid, which is acidic and polar, with glycine, which is neutral and non-polar, at codon 747 of the PDE6A protein (p.Asp747Gly). This variant is present in population databases (rs766135543, gnomAD 0.007%). This variant has not been reported in the literature in individuals affected with PDE6A-related conditions. ClinVar contains an entry for this variant (Variation ID: 955534). Advanced modeling of protein sequence and biophysical properties (such as structural, functional, and spatial information, amino acid conservation, physicochemical variation, residue mobility, and thermodynamic stability) performed at Invitae indicates that this missense variant is expected to disrupt PDE6A protein function with a positive predictive value of 80%. In summary, the available evidence is currently insufficient to determine the role of this variant in disease. Therefore, it has been classified as a Variant of Uncertain Significance.

Blueprint Genetics
Classification: Uncertain significance. Last evaluated: 2021-12-22. Review status: criteria provided, single submitter. Criteria: ACMG Guidelines, 2015. Collection method: clinical testing. Allele origin: germline.